The following is an entry in ClinVar:

ClinVar aggregate classification (germline): Benign (1 of 4 stars; one submission).

Allele frequency attached by ClinVar (database versions not stated): 1000 Genomes Project 30x 0.02483; 1000 Genomes Project 0.02576; gnomAD 0.04448 and 0.04514; TOPMed 0.04534.
gnomAD v4.1: 6,880 of 152,300 alleles (4.5%); highest among the groups gnomAD compares: Middle Eastern, 11%; 211 homozygotes.

Submission:

GeneDx
Classification: Benign. Last evaluated: 2018-06-19. Review status: criteria provided, single submitter. Criteria: GeneDx Variant Classification (06012015). Collection method: clinical testing. Allele origin: germline. Affected: yes.
Comment: This variant is considered likely benign or benign based on one or more of the following criteria: it is a conservative change, it occurs at a poorly conserved position in the protein, it is predicted to be benign by multiple in silico algorithms, and/or has population frequency not consistent with disease.

NM_020822.3(KCNT1):c.255-295C>T

Gene: KCNT1 (potassium sodium-activated channel subfamily T member 1; plus strand). Cytogenetic location: 9q34.3.
Variant type: single nucleotide variant.
Coding change: c.255-295C>T on transcript NM_020822.3 (MANE Select); 295 bases into the intron before coding-DNA position 255, C replaced by T.
Molecular consequence: intron variant.
Genome position (GRCh38, 1-based): chr9:135,749,803, C>T. VCF-style: chr9-135749803-C-T. GRCh37 (hg19) VCF-style: chr9-138641649-C-T.
Other names: c.111-295C>T (NM_001272003.2).
Identifiers: ClinVar variation 668722 (VCV000668722.1), dbSNP rs117005981, ClinGen allele CA13003860.